The following is an entry in ClinVar:

ClinVar aggregate classification (germline): Uncertain significance (1 of 4 stars; one submission).

Conditions:
Neurodevelopmental disorder with dysmorphic facies and thin corpus callosum. Identifiers: MedGen C5551361, MONDO:0859179, OMIM 619480.

Submission:

Neuberg Centre For Genomic Medicine, NCGM
Classification: Uncertain significance for Neurodevelopmental disorder with dysmorphic facies and thin corpus callosum. Review status: criteria provided, single submitter. Criteria: ACMG Guidelines, 2015. Collection method: clinical testing. Allele origin: germline. Inheritance: Autosomal dominant inheritance. Affected: yes.
Comment: The observed missense c.1477T>A p.Leu493Met variant in SUPT16H gene has not been reported previously as a pathogenic variant nor as a benign variant, to our knowledge. The p.Leu493Met variant is absent in gnomAD Exomes. This variant has not been submitted to the ClinVar database. Computational evidence Polyphen - Probably Damaging, SIFT - Tolerated and MutationTaster - Polymorphism predicts conflicting evidence on protein structure and function for this variant. The amino acid Leu at position 493 is changed to a Met changing protein sequence and it might alter its composition and physico-chemical properties. For these reasons, this variant has been classified as a Variant of Uncertain Significance VUS.

NM_007192.4(SUPT16H):c.1477T>A (p.Leu493Met)

Gene: SUPT16H (SPT16 homolog, facilitates chromatin remodeling subunit; minus strand). Cytogenetic location: 14q11.2.
Variant type: single nucleotide variant.
Coding change: c.1477T>A on transcript NM_007192.4 (MANE Select); coding-DNA position 1477, T replaced by A.
Protein change: p.Leu493Met; replaces leucine 493 with methionine.
Molecular consequence: missense variant.
Genome position (GRCh38, 1-based): chr14:21,363,068, A>T on the plus strand (T>A on the coding strand, the complement: SUPT16H is on the minus strand). VCF-style: chr14-21363068-A-T. GRCh37 (hg19) VCF-style: chr14-21831227-A-T.
Other names: short protein forms L493M.
Identifiers: ClinVar variation 3391282 (VCV003391282.1).